The following is an entry in ClinVar:

ClinVar aggregate classification (germline): Pathogenic (1 of 4 stars; one submission).

Conditions:
Mowat-Wilson syndrome (MOWS). Also called: Classic Mowat-Wilson Syndrome. Identifiers: Orphanet 2152, MedGen C1856113, MONDO:0009341, OMIM 235730.

Submission:

3billion
Classification: Pathogenic for Mowat-Wilson syndrome. Last evaluated: 2021-10-02. Review status: criteria provided, single submitter. Criteria: ACMG Guidelines, 2015. Collection method: clinical testing. Allele origin: germline. Affected: yes. Observed: 1 heterozygote.
Comment: Stop-gained (nonsense): predicted to result in a loss or disruption of normal protein function through nonsense-mediated decay (NMD) or protein truncation. Multiple pathogenic variants are reported downstream of the variant (PVS1_VS). The variant was observed as assumed (i.e. paternity and maternity not confirmed) de novoo (3billion dataset, PM6). It is not observed in the gnomAD v2.1.1 dataset (PM2). Therefore, this variant is classified as pathogenic according to the recommendation of ACMG/AMP guideline.

NM_014795.4(ZEB2):c.769G>T (p.Glu257Ter)

Gene: ZEB2 (zinc finger E-box binding homeobox 2; minus strand). Cytogenetic location: 2q22.3.
Variant type: single nucleotide variant.
Coding change: c.769G>T on transcript NM_014795.4 (MANE Select); coding-DNA position 769, G replaced by T.
Protein change: p.Glu257Ter; replaces glutamic acid 257 with a stop codon.
Molecular consequence: nonsense.
Genome position (GRCh38, 1-based): chr2:144,403,954, C>A on the plus strand (G>T on the coding strand, the complement: ZEB2 is on the minus strand). VCF-style: chr2-144403954-C-A. GRCh37 (hg19) VCF-style: chr2-145161521-C-A.
Other names: c.697G>T, p.Glu233Ter (NM_001171653.2); short protein forms E233*, E257*.
Identifiers: ClinVar variation 1320148 (VCV001320148.1), dbSNP rs1703347173, ClinGen allele CA348714633.